The following is an entry in ClinVar:

NM_022124.6(CDH23):c.7918A>T (p.Lys2640Ter)

Genes: CDH23 (cadherin related 23; plus strand), LOC111982869 (Sharpr-MPRA regulatory region 2121; plus strand). Cytogenetic location: 10q22.1.
Variant type: single nucleotide variant.
Coding change: c.7918A>T on transcript NM_022124.6 (MANE Select); coding-DNA position 7918, A replaced by T.
Protein change: p.Lys2640Ter; replaces lysine 2640 with a stop codon.
Molecular consequence: nonsense.
Genome position (GRCh38, 1-based): chr10:71,805,851, A>T. VCF-style: chr10-71805851-A-T. GRCh37 (hg19) VCF-style: chr10-73565608-A-T.
Other names: c.1198A>T, p.Lys400Ter (NM_001171933.1, NM_001171934.1); short protein forms K2640*, K400*.
Identifiers: ClinVar variation 4064195 (VCV004064195.2).

ClinVar aggregate classification (germline): Likely pathogenic (1 of 4 stars; one submission).

Conditions:
Usher syndrome type 1 (USH1). Also called: RETINITIS PIGMENTOSA AND CONGENITAL DEAFNESS. Identifiers: Orphanet 231169, Orphanet 886, MedGen C1568247, MONDO:0010168, OMIM 276900.

gnomAD v4.1: 1 of 1,613,836 alleles (0.000062%); highest among the groups gnomAD compares: Non-Finnish European, 0.000085%; no homozygotes.

Submission:

Natera, Inc.
Classification: Likely pathogenic for Usher syndrome type 1. Last evaluated: 2025-01-16. Review status: criteria provided, single submitter. Criteria: Natera Variant Classification Schema (03/2026). Collection method: clinical testing. Allele origin: germline.
Comment: The c.7918A>T variant in CDH23 is a nonsense variant predicted to introduce a stop codon at amino acid 2640. This variant is expected to result in nonsense mediated decay, truncation, or a dysfunctional protein product. This variant is rare in the general population with a frequency below the threshold expected for the associated phenotype(s). Given the available evidence, this variant is classified as Likely Pathogenic.